The following is an entry in ClinVar:

ClinVar aggregate classification (germline): Pathogenic (1 of 4 stars; one submission).

Conditions:
Perlman syndrome (PRLMNS). Identifiers: Orphanet 2849, MedGen C0796113, MONDO:0009965, OMIM 267000.

Submission:

Labcorp Genetics (formerly Invitae), Labcorp
Classification: Pathogenic for Perlman syndrome. Last evaluated: 2023-11-18. Review status: criteria provided, single submitter. Criteria: Invitae Variant Classification Sherloc (09022015). Collection method: clinical testing. Allele origin: germline.
Comment: This sequence change creates a premature translational stop signal (p.Ala320Argfs*17) in the DIS3L2 gene. It is expected to result in an absent or disrupted protein product. Loss-of-function variants in DIS3L2 are known to be pathogenic (PMID: 22306653, 28328139). This variant is present in population databases (no rsID available, gnomAD 0.0009%). This variant has not been reported in the literature in individuals affected with DIS3L2-related conditions. For these reasons, this variant has been classified as Pathogenic.

Literature cited by the submitters: PubMed 22306653; PubMed 28328139.

NM_152383.5(DIS3L2):c.957_960del (p.Ala320fs)

Gene: DIS3L2 (DIS3 like 3'-5' exoribonuclease 2; plus strand). Cytogenetic location: 2q37.1.
Variant type: Deletion.
Coding change: c.957_960del on transcript NM_152383.5 (MANE Select); coding-DNA positions 957 to 960, 4 bases deleted (GGCT; older notation c.957_960delGGCT).
Protein change: p.Ala320fs; shifts the reading frame from alanine 320.
Molecular consequence: frameshift variant. On other transcripts: non-coding transcript variant (2).
Genome position (GRCh38, 1-based): chr2:232,163,465-232,163,468, GGCT deleted; deleting any 4 consecutive bases within chr2:232,163,462-232,163,468 gives the same sequence; the c. name uses the placement nearest the transcript's 3' end. VCF-style (leftmost placement, unchanged base first): chr2-232163461-AGCTG-A. GRCh37 (hg19) VCF-style: chr2-233028171-AGCTG-A.
Other names: c.957_960del, p.Ala320fs (NM_001257281.2); short protein forms A320fs.
Identifiers: ClinVar variation 2851487 (VCV002851487.3), dbSNP rs1266503246, ClinGen allele CA540312541.
Genomic context (GRCh38, chr2:232,163,461, plus strand): 5'-GGTACCTATGTTCCATTTGTTTGCTAACCCAGTTATTCCGTTTCTGTTCTATCCATAGGC[AGCTG>A]GCTAAGAGTCTTGGGCAGGCTGGTGAAATTGAGCCTGAAACAGAAGGAATACTAACAGAG-3'